The following is an entry in ClinVar:

NM_170606.3(KMT2C):c.14421C>T (p.Asn4807=)

Gene: KMT2C (lysine methyltransferase 2C; minus strand). Cytogenetic location: 7q36.1.
Variant type: single nucleotide variant.
Coding change: c.14421C>T on transcript NM_170606.3 (MANE Select); coding-DNA position 14421, C replaced by T.
Protein change: p.Asn4807=; no amino-acid change (asparagine 4807 retained).
Molecular consequence: synonymous variant.
Genome position (GRCh38, 1-based): chr7:152,139,714, G>A on the plus strand (C>T on the coding strand, the complement: KMT2C is on the minus strand). VCF-style: chr7-152139714-G-A. GRCh37 (hg19) VCF-style: chr7-151836799-G-A.
Other names: c.14421C>T (NM_170606.2).
Identifiers: ClinVar variation 2063679 (VCV002063679.7), dbSNP rs62481482, ClinGen allele CA4578419.

ClinVar aggregate classification (germline): Benign/Likely benign. Review status: criteria provided, multiple submitters, no conflicts (2 of 4 stars). 3 submissions from 3 submitters: Benign (1); Likely benign (1). 1 of the submissions does not count toward it. Last evaluated 2025-02-19.

Conditions:
KMT2C-related disorder. Also called: KMT2C-related condition; KMT2C-related disorders.

Allele frequency attached by ClinVar (database versions not stated): gnomAD exomes 0.00013; gnomAD 0.00016; TOPMed 0.00031; ExAC 0.00039; 1000 Genomes Project 0.00080; 1000 Genomes Project 30x 0.00094.
gnomAD v4.1: 223 of 1,613,888 alleles (0.014%); highest among the groups gnomAD compares: East Asian, 0.37%; no homozygotes.

Submissions (3):

Labcorp Genetics (formerly Invitae), Labcorp
Classification: Benign. Last evaluated: 2025-02-19. Review status: criteria provided, single submitter. Criteria: Invitae Variant Classification Sherloc (09022015). Collection method: clinical testing. Allele origin: germline.

Blueprint Genetics
Classification: Likely benign. Last evaluated: 2024-07-17. Review status: criteria provided, single submitter. Criteria: ACMG Guidelines, 2015. Collection method: clinical testing. Allele origin: germline.

PreventionGenetics, part of Exact Sciences
Classification: Benign for KMT2C-related condition. Last evaluated: 2019-09-18. Review status: no assertion criteria provided. Collection method: clinical testing. Allele origin: germline. Not counted in ClinVar's aggregate classification.
Comment: This variant is classified as benign based on ACMG/AMP sequence variant interpretation guidelines (Richards et al. 2015 PMID: 25741868, with internal and published modifications).